The following is an entry in ClinVar:

NM_001174147.2(LMX1B):c.886+8G>A

Gene: LMX1B (LIM homeobox transcription factor 1 beta; plus strand). Cytogenetic location: 9q33.3.
Variant type: single nucleotide variant.
Coding change: c.886+8G>A on transcript NM_001174147.2 (MANE Select); 8 bases into the intron after coding-DNA position 886, G replaced by A.
Molecular consequence: intron variant. On other transcripts: synonymous variant (1).
Genome position (GRCh38, 1-based): chr9:126,693,820, G>A. VCF-style: chr9-126693820-G-A. GRCh37 (hg19) VCF-style: chr9-129456099-G-A.
Other names: c.894G>A, p.Pro298= (NM_001174146.2); c.886+8G>A (NM_002316.4); c.894G>A (NM_001174146.1).
Identifiers: ClinVar variation 715255 (VCV000715255.17), dbSNP rs774459476, ClinGen allele CA5242460.

ClinVar aggregate classification (germline): Conflicting classifications of pathogenicity. Review status: criteria provided, conflicting classifications (1 of 4 stars). 4 submissions from 4 submitters: Uncertain significance (1); Likely benign (2). 1 of the submissions does not count toward it. Last evaluated 2025-06-19.

Conditions:
LMX1B-related disorder. Also called: LMX1B-related condition.
Nail-patella syndrome (NPS). Also called: FONG DISEASE; ONYCHOOSTEODYSPLASIA; TURNER-KIESER SYNDROME. Identifiers: Orphanet 2614, MedGen C0027341, MONDO:0008061, OMIM 161200.

Allele frequency attached by ClinVar (database versions not stated): ExAC below 0.00001; gnomAD 0.00011 and 0.00012; gnomAD exomes 0.00014 and 0.00016; TOPMed 0.00021; 1000 Genomes Project 30x 0.00031.
gnomAD v4.1: 169 of 1,248,520 alleles (0.014%); highest among the groups gnomAD compares: Admixed American, 0.036%; no homozygotes.

Submissions (4):

Labcorp Genetics (formerly Invitae), Labcorp
Classification: Likely benign. Last evaluated: 2025-06-19. Review status: criteria provided, single submitter. Criteria: Invitae Variant Classification Sherloc (09022015). Collection method: clinical testing. Allele origin: germline.

Blueprint Genetics
Classification: Likely benign. Last evaluated: 2024-07-09. Review status: criteria provided, single submitter. Criteria: ACMG Guidelines, 2015. Collection method: clinical testing. Allele origin: germline.

Illumina Laboratory Services, Illumina
Classification: Uncertain significance for Nail-patella syndrome. Last evaluated: 2018-01-15. Review status: criteria provided, single submitter. Criteria: ICSL Variant Classification Criteria 13 December 2019. Collection method: clinical testing. Allele origin: germline.

PreventionGenetics, part of Exact Sciences
Classification: Likely benign for LMX1B-related condition. Last evaluated: 2019-05-07. Review status: no assertion criteria provided. Collection method: clinical testing. Allele origin: germline. Not counted in ClinVar's aggregate classification.
Comment: This variant is classified as likely benign based on ACMG/AMP sequence variant interpretation guidelines (Richards et al. 2015 PMID: 25741868, with internal and published modifications).